The following is an entry in ClinVar:

ClinVar aggregate classification (germline): Uncertain significance (1 of 4 stars; one submission).

Conditions:
Osteogenesis imperfecta type 8 (OI8). Identifiers: MedGen C1970458, MONDO:0012581, OMIM 610915.

Allele frequency attached by ClinVar (database versions not stated): gnomAD exomes below 0.00001.
gnomAD v4.1: 4 of 1,596,612 alleles (0.00025%); highest among the groups gnomAD compares: Non-Finnish European, 0.00034%; no homozygotes.

Submission:

Labcorp Genetics (formerly Invitae), Labcorp
Classification: Uncertain significance for Osteogenesis imperfecta type 8. Last evaluated: 2023-07-10. Review status: criteria provided, single submitter. Criteria: Invitae Variant Classification Sherloc (09022015). Collection method: clinical testing. Allele origin: germline.
Comment: In summary, the available evidence is currently insufficient to determine the role of this variant in disease. Therefore, it has been classified as a Variant of Uncertain Significance. Advanced modeling of protein sequence and biophysical properties (such as structural, functional, and spatial information, amino acid conservation, physicochemical variation, residue mobility, and thermodynamic stability) performed at Invitae indicates that this missense variant is not expected to disrupt P3H1 protein function. ClinVar contains an entry for this variant (Variation ID: 838757). This variant has not been reported in the literature in individuals affected with P3H1-related conditions. This variant is not present in population databases (gnomAD no frequency). This sequence change replaces arginine, which is basic and polar, with cysteine, which is neutral and slightly polar, at codon 115 of the P3H1 protein (p.Arg115Cys).

NM_022356.4(P3H1):c.343C>T (p.Arg115Cys)

Gene: P3H1 (prolyl 3-hydroxylase 1; minus strand). Cytogenetic location: 1p34.2.
Variant type: single nucleotide variant.
Coding change: c.343C>T on transcript NM_022356.4 (MANE Select); coding-DNA position 343, C replaced by T.
Protein change: p.Arg115Cys; replaces arginine 115 with cysteine.
Molecular consequence: missense variant.
Genome position (GRCh38, 1-based): chr1:42,766,629, G>A on the plus strand (C>T on the coding strand, the complement: P3H1 is on the minus strand). VCF-style: chr1-42766629-G-A. GRCh37 (hg19) VCF-style: chr1-43232300-G-A.
Other names: c.343C>T, p.Arg115Cys (NM_001146289.2, NM_001243246.2); short protein forms R115C.
Identifiers: ClinVar variation 838757 (VCV000838757.9), dbSNP rs1653015841, ClinGen allele CA339963629.